The following is an entry in ClinVar:

NM_024642.5(GALNT12):c.785G>A (p.Trp262Ter)

Gene: GALNT12 (polypeptide N-acetylgalactosaminyltransferase 12; plus strand). Cytogenetic location: 9q22.33.
Variant type: single nucleotide variant.
Coding change: c.785G>A on transcript NM_024642.5 (MANE Select); coding-DNA position 785, G replaced by A.
Protein change: p.Trp262Ter; replaces tryptophan 262 with a stop codon.
Molecular consequence: nonsense.
Genome position (GRCh38, 1-based): chr9:98,831,825, G>A. VCF-style: chr9-98831825-G-A. GRCh37 (hg19) VCF-style: chr9-101594107-G-A.
Other names: short protein forms W262*.
Identifiers: ClinVar variation 2447038 (VCV002447038.2), dbSNP rs2490517400, ClinGen allele CA374218001.

ClinVar aggregate classification (germline): Uncertain significance (1 of 4 stars; one submission).

Allele frequency attached by ClinVar (database versions not stated): gnomAD exomes below 0.00001.
gnomAD v4.1: 2 of 1,614,200 alleles (0.00012%); highest among the groups gnomAD compares: East Asian, 0.0045%; no homozygotes.

Submission:

Ambry Genetics
Classification: Uncertain significance. Last evaluated: 2022-12-07. Review status: criteria provided, single submitter. Criteria: Ambry Variant Classification Scheme 2023. Collection method: clinical testing. Allele origin: germline.
Comment: The p.W262* variant (also known as c.785G>A), located in coding exon 4 of the GALNT12 gene, results from a G to A substitution at nucleotide position 785. This changes the amino acid from a tryptophan to a stop codon within coding exon 4. This alteration is expected to result in loss of function by premature protein truncation or nonsense-mediated mRNA decay. The evidence for this gene-disease relationship is limited; therefore, the clinical significance of this alteration is unclear.